The following is an entry in ClinVar:

ClinVar aggregate classification (germline): Conflicting classifications of pathogenicity. Review status: criteria provided, conflicting classifications (1 of 4 stars). 4 submissions from 4 submitters: Uncertain significance (3); Benign (1). Last evaluated 2024-04-16.

Conditions:
Hereditary cancer-predisposing syndrome. Also called: Neoplastic Syndromes, Hereditary; Tumor predisposition; Hereditary Cancer Syndrome; Hereditary neoplastic syndrome. Identifiers: Orphanet 140162, MedGen C0027672, MeSH D009386, MONDO:0015356.
Tuberous sclerosis syndrome (TSC). Also called: Tuberous Sclerosis Complex; Tuberous sclerosis. Identifiers: Orphanet 805, MedGen C0041341, MONDO:0001734.
Tuberous sclerosis 2 (TSC2). Identifiers: Orphanet 805, MedGen C1860707, MONDO:0013199, OMIM 613254.

Allele frequency attached by ClinVar (database versions not stated): gnomAD exomes below 0.00001; ExAC 0.00001; ESP Exome Variant Server 0.00008.
gnomAD v4.1: 2 of 1,613,002 alleles (0.00012%); highest among the groups gnomAD compares: Non-Finnish European, 0.00017%; no homozygotes.

Submissions (4):

Labcorp Genetics (formerly Invitae), Labcorp
Classification: Benign for Tuberous sclerosis 2. Last evaluated: 2024-04-16. Review status: criteria provided, single submitter. Criteria: Invitae Variant Classification Sherloc (09022015). Collection method: clinical testing. Allele origin: germline.

All of Us Research Program, National Institutes of Health
Classification: Uncertain significance for Tuberous sclerosis syndrome. Last evaluated: 2023-05-04. Review status: criteria provided, single submitter. Criteria: ACMG Guidelines, 2015. Collection method: clinical testing. Allele origin: germline. Inheritance: Autosomal dominant inheritance. Observed: 1 variant allele, 1 heterozygote.
Comment: This missense variant replaces proline with leucine at codon 1156 of the TSC2 protein. Computational prediction suggests that this variant may not impact protein structure and function (internally defined REVEL score threshold <= 0.5, PMID: 27666373). To our knowledge, functional studies have not been reported for this variant. This variant has not been reported in individuals affected with TSC2-related disorders in the literature. This variant has been identified in 1/250058 chromosomes in the general population by the Genome Aggregation Database (gnomAD). The available evidence is insufficient to determine the role of this variant in disease conclusively. Therefore, this variant is classified as a Variant of Uncertain Significance.

This study involves interpretation of variants in research participants for the purpose of population health screening. Participant phenotype was not available at the time of variant classification. Additional details can be found in publication PMID: 35346344, PMCID: PMC8962531

GeneDx
Classification: Uncertain significance. Last evaluated: 2022-03-23. Review status: criteria provided, single submitter. Criteria: GeneDx Variant Classification Process June 2021. Collection method: clinical testing. Allele origin: germline. Affected: yes.
Comment: In silico analysis supports that this missense variant does not alter protein structure/function; Has not been previously published as pathogenic or benign to our knowledge

Ambry Genetics
Classification: Uncertain significance for Hereditary cancer-predisposing syndrome. Last evaluated: 2019-09-16. Review status: criteria provided, single submitter. Criteria: Ambry Variant Classification Scheme 2023. Collection method: clinical testing. Allele origin: germline.
Comment: The p.P1156L variant (also known as c.3467C>T), located in coding exon 29 of the TSC2 gene, results from a C to T substitution at nucleotide position 3467. The proline at codon 1156 is replaced by leucine, an amino acid with similar properties. This amino acid position is not well conserved in available vertebrate species, and leucine is the reference amino acid in other vertebrate species. In addition, the in silico prediction for this alteration is inconclusive. Since supporting evidence is limited at this time, the clinical significance of this alteration remains unclear.

NM_000548.5(TSC2):c.3467C>T (p.Pro1156Leu)

Gene: TSC2 (TSC complex subunit 2; plus strand). Cytogenetic location: 16p13.3.
Variant type: single nucleotide variant.
Coding change: c.3467C>T on transcript NM_000548.5 (MANE Select); coding-DNA position 3467, C replaced by T.
Protein change: p.Pro1156Leu; replaces proline 1156 with leucine.
Molecular consequence: missense variant.
Genome position (GRCh38, 1-based): chr16:2,080,234, C>T. VCF-style: chr16-2080234-C-T. GRCh37 (hg19) VCF-style: chr16-2130235-C-T.
Other names: c.3335C>T, p.Pro1112Leu (NM_001077183.3, NM_001370404.1); c.3467C>T, p.Pro1156Leu (NM_001114382.3); c.3227C>T, p.Pro1076Leu (NM_001318827.2); c.3191C>T, p.Pro1064Leu (NM_001318829.2); c.2735C>T, p.Pro912Leu (NM_001318831.2); c.3368C>T, p.Pro1123Leu (NM_001318832.2); c.3338C>T, p.Pro1113Leu (NM_001363528.2, NM_001370405.1, NM_021055.3); short protein forms P1156L, P1113L, P1076L, P912L, P1123L, P1064L, P1112L.
Identifiers: ClinVar variation 535917 (VCV000535917.13), dbSNP rs144126969, ClinGen allele CA046958.